The following is an entry in ClinVar:

NM_016006.6(ABHD5):c.133+1G>A

Gene: ABHD5 (abhydrolase domain containing 5, lysophosphatidic acid acyltransferase; plus strand). Cytogenetic location: 3p21.33.
Variant type: single nucleotide variant.
Coding change: c.133+1G>A on transcript NM_016006.6 (MANE Select); the canonical splice donor site of the intron after coding-DNA position 133, G replaced by A.
Molecular consequence: splice donor variant.
Genome position (GRCh38, 1-based): chr3:43,699,362, G>A. VCF-style: chr3-43699362-G-A. GRCh37 (hg19) VCF-style: chr3-43740854-G-A.
Other names: c.133+1G>A (NM_001365650.1, NM_001355186.2); c.10+1G>A (NM_001365649.1).
Identifiers: ClinVar variation 2628741 (VCV002628741.2), dbSNP rs2528725105, ClinGen allele CA352344864.
Genomic context (GRCh38, chr3:43,699,362, plus strand): 5'-CCACATGGTGCCCTACGTCTATATCACACCTTAAAGAAGCTGAAGAGAAGATGTTAAAAT[G>A]TAAGGCTTTCTTCTTGTAAGTTAAATGAGCTGTGTACTAAGATAGGTCCAATATATCTCA-3'

ClinVar aggregate classification (germline): Likely pathogenic. Review status: criteria provided, multiple submitters, no conflicts (2 of 4 stars). 2 submissions from 2 submitters: Likely pathogenic (2). Last evaluated 2024-10-10.

Conditions:
ABHD5-related disorder. Also called: ABHD5-related condition.

Allele frequency attached by ClinVar (database versions not stated): gnomAD exomes below 0.00001.

Submissions (2):

Blueprint Genetics
Classification: Likely pathogenic for ABHD5-related disorders. Last evaluated: 2024-10-10. Review status: criteria provided, single submitter. Criteria: ACMG Guidelines, 2015. Collection method: clinical testing. Allele origin: germline. Affected: yes. Observed: 1 variant allele.

PreventionGenetics, part of Exact Sciences
Classification: Likely pathogenic for ABHD5-related condition. Last evaluated: 2023-03-30. Review status: criteria provided, single submitter. Criteria: ACMG Guidelines, 2015. Collection method: clinical testing. Allele origin: germline.
Comment: The ABHD5 c.133+1G>A variant is predicted to disrupt the GT donor site and interfere with normal splicing. To our knowledge, this variant has not been reported in the literature or in a large population database, indicating this variant is rare. Variants that disrupt the consensus splice donor site in ABHD5 are expected to be pathogenic. This variant is interpreted as likely pathogenic.